The following is an entry in ClinVar:

ClinVar aggregate classification (germline): Pathogenic (1 of 4 stars; one submission).

Conditions:
Duchenne muscular dystrophy (DMD). Also called: Duchenne Muscular Dystrophy (DMD); MUSCULAR DYSTROPHY, PSEUDOHYPERTROPHIC PROGRESSIVE, DUCHENNE TYPE. Identifiers: Orphanet 98896, MedGen C0013264, MONDO:0010679, OMIM 310200.

Submission:

Labcorp Genetics (formerly Invitae), Labcorp
Classification: Pathogenic for Duchenne muscular dystrophy. Last evaluated: 2022-08-09. Review status: criteria provided, single submitter. Criteria: Invitae Variant Classification Sherloc (09022015). Collection method: clinical testing. Allele origin: germline.
Comment: A similar copy number variant has been observed in individual(s) with Duchenne muscular dystrophy (PMID: 1301934). For these reasons, this variant has been classified as Pathogenic. This variant is a gross deletion of the genomic region encompassing exon(s) 13-43 of the DMD gene. This deletion is out-of-frame, and is expected to create a premature termination codon and result in an absent or disrupted protein product. Loss-of-function variants in DMD are known to be pathogenic (PMID: 16770791, 25007885).

Literature cited by the submitters: PubMed 1301934; PubMed 16770791; PubMed 25007885.

NC_000023.10:g.(?_32305626)_(32614013_?)del

Gene: DMD (dystrophin; minus strand). Cytogenetic location: Xp21.1.
Variant type: Deletion.
Identifiers: ClinVar variation 2424890 (VCV002424890.5).